The following is an entry in ClinVar:

NM_000439.5(PCSK1):c.463G>A (p.Gly155Ser)

Genes: CAST (calpastatin; plus strand), PCSK1 (proprotein convertase subtilisin/kexin type 1; minus strand), LOC101929710 (uncharacterized LOC101929710; plus strand). Cytogenetic location: 5q15.
Variant type: single nucleotide variant.
Coding change: c.463G>A on transcript NM_000439.5 (MANE Select); coding-DNA position 463, G replaced by A.
Protein change: p.Gly155Ser; replaces glycine 155 with serine.
Molecular consequence: missense variant. On other transcripts: intron variant (11).
Genome position (GRCh38, 1-based): chr5:96,423,393, C>T on the plus strand (G>A on the coding strand, the complement: PCSK1 is on the minus strand). VCF-style: chr5-96423393-C-T. GRCh37 (hg19) VCF-style: chr5-95759097-C-T.
Other names: c.322G>A, p.Gly108Ser (NM_001177875.2); c.-175+43741C>T (NM_001423254.1, NM_001423259.1, NM_001423255.1 and 6 more transcripts); c.-103+43741C>T (NM_001423253.1); c.-40+43741C>T (NM_001423258.1); short protein forms G108S, G155S.
Identifiers: ClinVar variation 3929729 (VCV003929729.2).
Genomic context (GRCh38, chr5:96,423,393, plus strand): 5'-TGTGATTCCACTCCAAACCATCATCCAGTACGGTGATAACAACTCCTTTGCCCGTAATGC[C>T]TTTTTGCCAAACAGGTATCACATGAAGGTCCAGCTTGGGCAGGGCTGCCGTCATCCTGGT-3'
Protein context (NP_000430.3, residues 145-165): DLHVIPVWQK[Gly155Ser]ITGKGVVITV

ClinVar aggregate classification (germline): Uncertain significance. Review status: criteria provided, multiple submitters, no conflicts (2 of 4 stars). 2 submissions from 2 submitters: Uncertain significance (2). Last evaluated 2026-06-11.

Conditions:
Inborn genetic diseases. Identifiers: MedGen C0950123, MeSH D030342.
PCSK1-related disorder. Also called: PCSK1-related condition.

gnomAD v4.1: 32 of 1,613,936 alleles (0.002%); highest among the groups gnomAD compares: Non-Finnish European, 0.0027%; no homozygotes.

Submissions (2):

PreventionGenetics, part of Exact Sciences
Classification: Uncertain significance for PCSK1-related condition. Last evaluated: 2026-06-11. Review status: criteria provided, single submitter. Criteria: ACMG Guidelines, 2015. Collection method: clinical testing. Allele origin: germline.
Comment: The PCSK1 c.463G>A variant is predicted to result in the amino acid substitution p.Gly155Ser. This variant was observed in a cohort of obese individuals, and in vitro functional studies showed inconclusive evidence of loss of function (Supplemental Data Set, Shah et al. 2023. PubMed ID: 36864747). This variant is reported in 0.00088% of alleles in individuals of European (Non-Finnish) descent in gnomAD. At this time, the clinical significance of this variant is uncertain due to the absence of conclusive functional and genetic evidence.

Ambry Genetics
Classification: Uncertain significance for Inborn genetic diseases. Last evaluated: 2025-04-12. Review status: criteria provided, single submitter. Criteria: Ambry Variant Classification Scheme 2023. Collection method: clinical testing. Allele origin: germline.